The following is an entry in ClinVar:

NM_000368.5(TSC1):c.1029+5G>T

Gene: TSC1 (TSC complex subunit 1; minus strand). Cytogenetic location: 9q34.13.
Variant type: single nucleotide variant.
Coding change: c.1029+5G>T on transcript NM_000368.5 (MANE Select); 5 bases into the intron after coding-DNA position 1029, G replaced by T.
Molecular consequence: intron variant. On other transcripts: 5 prime UTR variant (2).
Genome position (GRCh38, 1-based): chr9:132,911,448, C>A on the plus strand (G>T on the coding strand, the complement: TSC1 is on the minus strand). VCF-style: chr9-132911448-C-A. GRCh37 (hg19) VCF-style: chr9-135786835-C-A.
Other names: c.-60G>T (NM_001406629.1, NM_001406630.1); c.666+5G>T (NM_001406620.1, NM_001406618.1, NM_001406625.1 and 10 more transcripts); c.876+5G>T (NM_001406613.1, NM_001406612.1, NM_001406610.1 and 2 more transcripts); c.78+5G>T (NM_001406627.1, NM_001406628.1, NM_001406626.1); c.1029+5G>T (NM_001406603.1, NM_001406609.1, NM_001406597.1 and 16 more transcripts).
Identifiers: ClinVar variation 2758635 (VCV002758635.3), dbSNP rs1845952054, ClinGen allele CA375368351.

ClinVar aggregate classification (germline): Uncertain significance (1 of 4 stars; one submission).

Conditions:
Tuberous sclerosis 1 (TSC1). Identifiers: Orphanet 805, MedGen C1854465, MONDO:0008612, OMIM 191100.

Submission:

Labcorp Genetics (formerly Invitae), Labcorp
Classification: Uncertain significance for Tuberous sclerosis 1. Last evaluated: 2023-09-06. Review status: criteria provided, single submitter. Criteria: Invitae Variant Classification Sherloc (09022015). Collection method: clinical testing. Allele origin: germline.
Comment: This sequence change falls in intron 10 of the TSC1 gene. It does not directly change the encoded amino acid sequence of the TSC1 protein. It affects a nucleotide within the consensus splice site. This variant is not present in population databases (gnomAD no frequency). This variant has not been reported in the literature in individuals affected with TSC1-related conditions. Variants that disrupt the consensus splice site are a relatively common cause of aberrant splicing (PMID: 17576681, 9536098). Algorithms developed to predict the effect of sequence changes on RNA splicing suggest that this variant may disrupt the consensus splice site. In summary, the available evidence is currently insufficient to determine the role of this variant in disease. Therefore, it has been classified as a Variant of Uncertain Significance.

Literature cited by the submitters: PubMed 17576681; PubMed 9536098.